The following is an entry in ClinVar:

ClinVar aggregate classification (germline): Uncertain significance (1 of 4 stars; one submission).

Conditions:
EYS-related disorder. Also called: EYS-related condition.

Submission:

PreventionGenetics, part of Exact Sciences
Classification: Uncertain significance for EYS-related condition. Last evaluated: 2025-05-23. Review status: criteria provided, single submitter. Criteria: ACMG Guidelines, 2015. Collection method: clinical testing. Allele origin: germline.
Comment: The EYS c.8728T>A variant is predicted to result in the amino acid substitution p.Cys2910Ser. To our knowledge, this variant has not been reported in the literature or in a large population database (gnomAD), indicating this variant is rare. At this time, the clinical significance of this variant is uncertain due to the absence of conclusive functional and genetic evidence.

NM_001142800.2(EYS):c.8728T>A (p.Cys2910Ser)

Genes: EYS (EGF-like photoreceptor maintenance factor; minus strand), PHF3 (PHD finger protein 3; plus strand). Cytogenetic location: 6q12.
Variant type: single nucleotide variant.
Coding change: c.8728T>A on transcript NM_001142800.2 (MANE Select); coding-DNA position 8728, T replaced by A.
Protein change: p.Cys2910Ser; replaces cysteine 2910 with serine.
Molecular consequence: missense variant. On other transcripts: 3 prime UTR variant (5).
Genome position (GRCh38, 1-based): chr6:63,721,303, A>T on the plus strand (T>A on the coding strand, the complement: EYS is on the minus strand). VCF-style: chr6-63721303-A-T. GRCh37 (hg19) VCF-style: chr6-64431199-A-T.
Other names: c.*7595A>T (NM_001290259.2, NM_001370348.2, NM_001370349.2 and 2 more transcripts); c.8791T>A, p.Cys2931Ser (NM_001292009.2); short protein forms C2931S, C2910S.
Identifiers: ClinVar variation 5000616 (VCV005000616.1).